The following is an entry in ClinVar:

ClinVar aggregate classification (germline): Likely benign. Review status: criteria provided, multiple submitters, no conflicts (2 of 4 stars). 2 submissions from 2 submitters: Likely benign (2). Last evaluated 2025-09-03.

Conditions:
Epidermolysis bullosa simplex 3, localized or generalized intermediate, with BP230 deficiency (EBS3). Also called: Epidermolysis bullosa simplex due to BP230 deficiency; Epidermolysis bullosa simplex, autosomal recessive 2. Identifiers: Orphanet 412181, MedGen C3809470, MONDO:0014180, OMIM 615425.
Hereditary sensory and autonomic neuropathy type 6. Also called: Neuropathy, hereditary sensory and autonomic, type VI; HSAN VI. Identifiers: Orphanet 314381, MedGen C3539003, MONDO:0013839, OMIM 614653.
DST-related disorder. Also called: DST-related disorders; DST-related condition.

Allele frequency attached by ClinVar (database versions not stated): TOPMed 0.00001; 1000 Genomes Project 30x 0.00016; 1000 Genomes Project 0.00020.
gnomAD v4.1: 291 of 1,613,772 alleles (0.018%); highest among the groups gnomAD compares: South Asian, 0.31%; 4 homozygotes.

Submissions (2):

PreventionGenetics, part of Exact Sciences
Classification: Likely benign for DST-related condition. Last evaluated: 2025-09-03. Review status: criteria provided, single submitter. Criteria: ACMG Guidelines, 2015. Collection method: clinical testing. Allele origin: germline.
Comment: This variant is classified as likely benign based on ACMG/AMP sequence variant interpretation guidelines (Richards et al. 2015 PMID: 25741868, with internal and published modifications).

Labcorp Genetics (formerly Invitae), Labcorp
Classification: Likely benign for Epidermolysis bullosa simplex 3, localized or generalized intermediate, with BP230 deficiency; Hereditary sensory and autonomic neuropathy type 6. Last evaluated: 2024-12-13. Review status: criteria provided, single submitter. Criteria: Invitae Variant Classification Sherloc (09022015). Collection method: clinical testing. Allele origin: germline.

NM_001723.7(DST):c.3466C>G (p.Arg1156Gly)

Gene: DST (dystonin; minus strand). Cytogenetic location: 6p12.1.
Variant type: single nucleotide variant.
Coding change: c.3466C>G on transcript NM_001723.7 (MANE Plus Clinical); coding-DNA position 3466, C replaced by G.
Protein change: p.Arg1156Gly; replaces arginine 1156 with glycine.
Molecular consequence: missense variant. On other transcripts: intron variant (10).
Genome position (GRCh38, 1-based): chr6:56,620,568, G>C on the plus strand (C>G on the coding strand, the complement: DST is on the minus strand). VCF-style: chr6-56620568-G-C. GRCh37 (hg19) VCF-style: chr6-56485366-G-C.
Other names: c.4830+3962C>G (NM_001144769.5); c.4929+3962C>G (NM_001374722.1, NM_001374736.1); c.4956+3962C>G (NM_001374734.1); c.4416+3962C>G (NM_001144770.2); c.4296+3962C>G (NM_001374730.1, NM_001386100.1, NM_183380.4 and 1 more transcripts); c.3318+3962C>G (NM_015548.5); short protein forms R1156G.
Identifiers: ClinVar variation 705847 (VCV000705847.10), dbSNP rs577972555, ClinGen allele CA3870711.
Genomic context (GRCh38, chr6:56,620,568, plus strand): 5'-GCTGCTTTCTCAATTCATTTTCTGCAGCCTCCCTGACCTTCGGAAGTTCTTCCTCTACTC[G>C]GGACTTTTGTTTCTTTAGTTCAGCTACCATTCTTTCCAACTCACTTATCTTTCCTGTAAG-3'
Protein context (NP_001714.1, residues 1146-1166): MVAELKKQKS[Arg1156Gly]VEEELPKVRE